The following is an entry in ClinVar:

NM_031475.3(ESPN):c.994G>A (p.Val332Met)

Gene: ESPN (espin; plus strand). Cytogenetic location: 1p36.31.
Variant type: single nucleotide variant.
Coding change: c.994G>A on transcript NM_031475.3 (MANE Select); coding-DNA position 994, G replaced by A.
Protein change: p.Val332Met; replaces valine 332 with methionine.
Molecular consequence: missense variant.
Genome position (GRCh38, 1-based): chr1:6,444,484, G>A. VCF-style: chr1-6444484-G-A. GRCh37 (hg19) VCF-style: chr1-6504544-G-A.
Other names: c.994G>A, p.Val332Met (NM_001367473.1, NM_001367474.1); short protein forms V332M.
Identifiers: ClinVar variation 4989004 (VCV004989004.1).

ClinVar aggregate classification (germline): Uncertain significance (1 of 4 stars; one submission).

Conditions:
ESPN-related disorder. Also called: ESPN-related condition.

gnomAD v4.1: 13 of 1,614,172 alleles (0.00081%); highest among the groups gnomAD compares: Admixed American, 0.005%; no homozygotes.

Submission:

PreventionGenetics, part of Exact Sciences
Classification: Uncertain significance for ESPN-related condition. Last evaluated: 2026-06-21. Review status: criteria provided, single submitter. Criteria: ACMG Guidelines, 2015. Collection method: clinical testing. Allele origin: germline.
Comment: The ESPN c.994G>A variant is predicted to result in the amino acid substitution p.Val332Met. To our knowledge, this variant has not been reported in the literature. This variant is reported in 0.0087% of alleles in individuals of Latino descent in gnomAD. At this time, the clinical significance of this variant is uncertain due to the absence of conclusive functional and genetic evidence.